The following is an entry in ClinVar:

NM_001378452.1(ITPR1):c.2261A>G (p.Asn754Ser)

Gene: ITPR1 (inositol 1,4,5-trisphosphate receptor type 1; plus strand). Cytogenetic location: 3p26.1.
Variant type: single nucleotide variant.
Coding change: c.2261A>G on transcript NM_001378452.1 (MANE Select); coding-DNA position 2261, A replaced by G.
Protein change: p.Asn754Ser; replaces asparagine 754 with serine.
Molecular consequence: missense variant.
Genome position (GRCh38, 1-based): chr3:4,673,192, A>G. VCF-style: chr3-4673192-A-G. GRCh37 (hg19) VCF-style: chr3-4714876-A-G.
Other names: c.2261A>G, p.Asn754Ser (NM_001099952.4); c.2216A>G, p.Asn739Ser (NM_001168272.2, NM_002222.7); short protein forms N754S, N739S.
Identifiers: ClinVar variation 2123319 (VCV002123319.4), dbSNP rs776830134, ClinGen allele CA2231381.

ClinVar aggregate classification (germline): Uncertain significance (1 of 4 stars; one submission).

Allele frequency attached by ClinVar (database versions not stated): gnomAD exomes below 0.00001; TOPMed below 0.00001; ExAC 0.00001.
gnomAD v4.1: 2 of 1,613,932 alleles (0.00012%); highest among the groups gnomAD compares: South Asian, 0.0011%; no homozygotes.

Submission:

Labcorp Genetics (formerly Invitae), Labcorp
Classification: Uncertain significance. Last evaluated: 2022-04-08. Review status: criteria provided, single submitter. Criteria: Invitae Variant Classification Sherloc (09022015). Collection method: clinical testing. Allele origin: germline.
Comment: In summary, the available evidence is currently insufficient to determine the role of this variant in disease. Therefore, it has been classified as a Variant of Uncertain Significance. Algorithms developed to predict the effect of missense changes on protein structure and function are either unavailable or do not agree on the potential impact of this missense change (SIFT: "Deleterious"; PolyPhen-2: "Possibly Damaging"; Align-GVGD: "Class C0"). This variant has not been reported in the literature in individuals affected with ITPR1-related conditions. This variant is present in population databases (rs776830134, gnomAD 0.003%). This sequence change replaces asparagine, which is neutral and polar, with serine, which is neutral and polar, at codon 739 of the ITPR1 protein (p.Asn739Ser).